The following is an entry in ClinVar:

ClinVar aggregate classification (germline): Pathogenic/Likely pathogenic. Review status: criteria provided, multiple submitters, no conflicts (2 of 4 stars). 2 submissions from 2 submitters: Pathogenic (1); Likely pathogenic (1). Last evaluated 2023-03-16.

Conditions:
X-linked Emery-Dreifuss muscular dystrophy. Also called: Muscular dystrophy, tardive Emery-Dreifuss type, with contractures. Identifiers: Orphanet 261, Orphanet 98863, MedGen C0751337, MONDO:0010680.
Emery-Dreifuss muscular dystrophy 1, X-linked (EDMD1). Also called: Muscular dystrophy, tardive, Dreifuss-Emery type, with contractures; SCAPULOPERONEAL SYNDROME, X-LINKED; HUMEROPERONEAL NEUROMUSCULAR DISEASE; EMD-Related Emery-Dreifuss Muscular Dystrophy, X-Linked. Identifiers: MedGen CN375556, MONDO:0100531, OMIM 310300.

Submissions (2):

Labcorp Genetics (formerly Invitae), Labcorp
Classification: Pathogenic for X-linked Emery-Dreifuss muscular dystrophy. Last evaluated: 2023-03-16. Review status: criteria provided, single submitter. Criteria: Invitae Variant Classification Sherloc (09022015). Collection method: clinical testing. Allele origin: germline.
Comment: This sequence change creates a premature translational stop signal (p.Tyr94*) in the EMD gene. It is expected to result in an absent or disrupted protein product. Loss-of-function variants in EMD are known to be pathogenic (PMID: 24365856). This variant is not present in population databases (gnomAD no frequency). This premature translational stop signal has been observed in individual(s) with Emery-Dreifuss muscular dystrophy (PMID: 10382909). For these reasons, this variant has been classified as Pathogenic.

Neuberg Centre For Genomic Medicine, NCGM
Classification: Likely pathogenic for Emery-Dreifuss muscular dystrophy 1, X-linked. Review status: criteria provided, single submitter. Criteria: ACMG Guidelines, 2015. Collection method: clinical testing. Allele origin: germline. Inheritance: X-linked inheritance. Affected: yes.
Comment: The c.282C>G (p.Tyr94Ter) stop gained variant in EMD gene has not been reported previously as a pathogenic variant nor as a benign variant, to our knowledge. The c.282C>G variant is novel (not in any individuals) in gnomAD Exomes and 1000 Genomes. This variant is predicted to cause loss of normal protein function through protein truncation. Loss of function variants have been previously reported to be disease causing. For these reasons, this variant has been classified as Likely Pathogenic.

Literature cited by the submitters: PubMed 24365856 (cited by Labcorp Genetics (formerly Invitae), Labcorp); PubMed 10382909 (cited by Labcorp Genetics (formerly Invitae), Labcorp).

NM_000117.3(EMD):c.282C>G (p.Tyr94Ter)

Gene: EMD (emerin; plus strand). Cytogenetic location: Xq28.
Variant type: single nucleotide variant.
Coding change: c.282C>G on transcript NM_000117.3 (MANE Select); coding-DNA position 282, C replaced by G.
Protein change: p.Tyr94Ter; replaces tyrosine 94 with a stop codon.
Molecular consequence: nonsense.
Genome position (GRCh38, 1-based): chrX:154,380,250, C>G. VCF-style: chrX-154380250-C-G. GRCh37 (hg19) VCF-style: chrX-153608610-C-G.
Other names: short protein forms Y94*.
Identifiers: ClinVar variation 2584927 (VCV002584927.4), dbSNP rs1557182431, ClinGen allele CA415257822.
Genomic context (GRCh38, chrX:154,380,250, plus strand): 5'-GGCACACCGATGCCCCCTCTGCTACCGCTGCCCCCCTTCCCAAGGCTACAATGACGACTA[C>G]TATGAAGAGAGCTACTTCACCACCAGGACTTATGGGGAGCCCGAGTCTGCCGGCCCGTCC-3'